The following is an entry in ClinVar:

ClinVar aggregate classification (germline): Uncertain significance. Review status: criteria provided, multiple submitters, no conflicts (2 of 4 stars). 2 submissions from 2 submitters: Uncertain significance (2). Last evaluated 2024-09-12.

Conditions:
Inborn genetic diseases. Identifiers: MedGen C0950123, MeSH D030342.

Allele frequency attached by ClinVar (database versions not stated): gnomAD exomes below 0.00001; TOPMed 0.00002.
gnomAD v4.1: 3 of 1,605,762 alleles (0.00019%); highest among the groups gnomAD compares: Admixed American, 0.0034%; no homozygotes.

Submissions (2):

GeneDx
Classification: Uncertain significance. Last evaluated: 2024-09-12. Review status: criteria provided, single submitter. Criteria: GeneDx Variant Classification Process June 2021. Collection method: clinical testing. Allele origin: germline. Affected: yes.
Comment: In silico analysis supports that this missense variant has a deleterious effect on protein structure/function; Has not been previously published as pathogenic or benign to our knowledge

Ambry Genetics
Classification: Uncertain significance for Inborn genetic diseases. Last evaluated: 2024-01-22. Review status: criteria provided, single submitter. Criteria: Ambry Variant Classification Scheme 2023. Collection method: clinical testing. Allele origin: germline.

NM_012293.3(PXDN):c.2816G>T (p.Gly939Val)

Gene: PXDN (peroxidasin; minus strand). Cytogenetic location: 2p25.3.
Variant type: single nucleotide variant.
Coding change: c.2816G>T on transcript NM_012293.3 (MANE Select); coding-DNA position 2816, G replaced by T.
Protein change: p.Gly939Val; replaces glycine 939 with valine.
Molecular consequence: missense variant.
Genome position (GRCh38, 1-based): chr2:1,648,964, C>A on the plus strand (G>T on the coding strand, the complement: PXDN is on the minus strand). VCF-style: chr2-1648964-C-A. GRCh37 (hg19) VCF-style: chr2-1652736-C-A.
Other names: short protein forms G939V.
Identifiers: ClinVar variation 3150061 (VCV003150061.2), dbSNP rs933145104, ClinGen allele CA41399462.